The following is an entry in ClinVar:

NM_001164508.2(NEB):c.11486del (p.Lys3829fs)

Gene: NEB (nebulin; minus strand). Cytogenetic location: 2q23.3.
Variant type: Deletion.
Coding change: c.11486del on transcript NM_001164508.2 (MANE Select); coding-DNA position 11486, one base deleted (A; older notation c.11486delA).
Protein change: p.Lys3829fs; shifts the reading frame from lysine 3829.
Molecular consequence: frameshift variant.
Genome position (GRCh38, 1-based): chr2:151,614,391, T deleted on the plus strand (A on the coding strand, the reverse complement: NEB is on the minus strand); the first of 2 consecutive T bases (chr2:151,614,391-151,614,392); deleting either gives the same sequence. VCF-style (leftmost placement, unchanged base first): chr2-151614390-CT-C. GRCh37 (hg19) VCF-style: chr2-152470904-CT-C.
Other names: c.11486del, p.Lys3829fs (NM_001164507.2, NM_001271208.2); c.10757del, p.Lys3586fs (NM_004543.5); short protein forms K3586fs, K3829fs.
Identifiers: ClinVar variation 5013919 (VCV005013919.1).

ClinVar aggregate classification (germline): Pathogenic (1 of 4 stars; one submission).

Conditions:
Nemaline myopathy 2 (NEM2). Also called: Nemaline myopathy 2, autosomal recessive. Identifiers: MedGen C1850569, MONDO:0009725, OMIM 256030.

Submission:

Myriad Genetics, Inc.
Classification: Pathogenic for Nemaline myopathy 2. Last evaluated: 2025-01-03. Review status: criteria provided, single submitter. Criteria: Myriad Autosomal Dominant, Autosomal Recessive and X-Linked Classification Criteria (2023). Collection method: clinical testing. Allele origin: unknown.
Comment: NM_001271208.1(NEB):c.11486delA(K3829Sfs*6) is expected to be pathogenic in the context of NEB-related nemaline myopathy. This variant is predicted to lead to an abnormal or absent protein product due to the creation of a premature termination codon in NEB, a gene where loss-of-function variants are known to be pathogenic. Please note: this variant was assessed in the context of healthy population screening.